The following is an entry in ClinVar:

NM_022168.4(IFIH1):c.1896_1898del (p.Glu633del)

Gene: IFIH1 (interferon induced with helicase C domain 1; minus strand). Cytogenetic location: 2q24.2.
Variant type: Deletion.
Coding change: c.1896_1898del on transcript NM_022168.4 (MANE Select); coding-DNA positions 1896 to 1898, 3 bases deleted (AGA; older notation c.1896_1898delAGA).
Protein change: p.Glu633del; deletes glutamic acid 633.
Molecular consequence: inframe deletion.
Genome position (GRCh38, 1-based): chr2:162,277,561-162,277,563, TCT deleted on the plus strand (AGA on the coding strand, the reverse complement: IFIH1 is on the minus strand); deleting any 3 consecutive bases within chr2:162,277,561-162,277,565 gives the same sequence; the c. name uses the placement nearest the transcript's 3' end. VCF-style (leftmost placement, unchanged base first): chr2-162277560-CTCT-C. GRCh37 (hg19) VCF-style: chr2-163134070-CTCT-C.
Other names: short protein forms E633del.
Identifiers: ClinVar variation 3252287 (VCV003252287.2), dbSNP rs2468959378.
Genomic context (GRCh38, chr2:162,277,560, plus strand): 5'-ATACTCATCATCACCACCCTCATCACTATCATCTTCTATGACTGCAAACTTCTTATCTTT[CTCT>C]TCATTATAGAAAGTTTCAAGATGAGTATACGCATCTATCATTCGAATTGTGTCATTAATT-3'

ClinVar aggregate classification (germline): Uncertain significance (1 of 4 stars; one submission).

Submission:

GeneDx
Classification: Uncertain significance. Last evaluated: 2025-02-12. Review status: criteria provided, single submitter. Criteria: GeneDx Variant Classification Process June 2021. Collection method: clinical testing. Allele origin: germline.
Comment: In-frame deletion of 1 amino acid in a non-repeat region; Not observed at significant frequency in large population cohorts (gnomAD); In silico analysis supports a deleterious effect on protein structure/function; Has not been previously published as pathogenic or benign to our knowledge